The following is an entry in ClinVar:

NM_030632.3(ASXL3):c.4036A>G (p.Ile1346Val)

Gene: ASXL3 (ASXL transcriptional regulator 3; plus strand). Cytogenetic location: 18q12.1.
Variant type: single nucleotide variant.
Coding change: c.4036A>G on transcript NM_030632.3 (MANE Select); coding-DNA position 4036, A replaced by G.
Protein change: p.Ile1346Val; replaces isoleucine 1346 with valine.
Molecular consequence: missense variant.
Genome position (GRCh38, 1-based): chr18:33,743,884, A>G. VCF-style: chr18-33743884-A-G. GRCh37 (hg19) VCF-style: chr18-31323848-A-G.
Other names: c.4036A>G (NM_030632.2); short protein forms I1346V.
Identifiers: ClinVar variation 1266822 (VCV001266822.6), dbSNP rs61995734, ClinGen allele CA8934161.

ClinVar aggregate classification (germline): Benign. Review status: criteria provided, multiple submitters, no conflicts (2 of 4 stars). 4 submissions from 4 submitters: Benign (3). 1 of the submissions does not count toward it. Last evaluated 2021-12-05.

Conditions:
Bainbridge-Ropers syndrome. Also called: Severe feeding difficulties-failure to thrive-microcephaly due to ASXL3 deficiency syndrome. Identifiers: Orphanet 352577, MedGen C4750837, MONDO:0014205, OMIM 615485.
ASXL3-related disorder. Also called: ASXL3-related condition. Identifiers: MedGen CN381524.

Allele frequency attached by ClinVar (database versions not stated): 1000 Genomes Project 30x 0.02639; 1000 Genomes Project 0.02456; gnomAD exomes 0.01686; TOPMed 0.02825; gnomAD 0.02849; ESP Exome Variant Server 0.02898.
gnomAD v4.1: 28,829 of 1,613,972 alleles (1.8%); highest among the groups gnomAD compares: African/African-American, 6.1%; 366 homozygotes.

Submissions (4):

Genome-Nilou Lab
Classification: Benign for Bainbridge-Ropers syndrome. Last evaluated: 2021-12-05. Review status: criteria provided, single submitter. Criteria: ACMG Guidelines, 2015. Collection method: clinical testing. Allele origin: germline. Affected: no.

GeneDx
Classification: Benign. Last evaluated: 2018-10-16. Review status: criteria provided, single submitter. Criteria: GeneDx Variant Classification Process June 2021. Collection method: clinical testing. Allele origin: germline. Affected: yes.

Breakthrough Genomics
Classification: Benign. Review status: criteria provided, single submitter. Criteria: ACMG Guidelines, 2015. Collection method: not provided. Allele origin: germline. Inheritance: Autosomal dominant inheritance. Affected: yes.

PreventionGenetics, part of Exact Sciences
Classification: Benign for ASXL3-related condition. Last evaluated: 2019-03-18. Review status: no assertion criteria provided. Collection method: clinical testing. Allele origin: germline. Not counted in ClinVar's aggregate classification.
Comment: This variant is classified as benign based on ACMG/AMP sequence variant interpretation guidelines (Richards et al. 2015 PMID: 25741868, with internal and published modifications).